The following is an entry in ClinVar:

NM_001447.3(FAT2):c.602G>C (p.Gly201Ala)

Gene: FAT2 (FAT atypical cadherin 2; minus strand). Cytogenetic location: 5q33.1.
Variant type: single nucleotide variant.
Coding change: c.602G>C on transcript NM_001447.3 (MANE Select); coding-DNA position 602, G replaced by C.
Protein change: p.Gly201Ala; replaces glycine 201 with alanine.
Molecular consequence: missense variant.
Genome position (GRCh38, 1-based): chr5:151,568,330, C>G on the plus strand (G>C on the coding strand, the complement: FAT2 is on the minus strand). VCF-style: chr5-151568330-C-G. GRCh37 (hg19) VCF-style: chr5-150947891-C-G.
Other names: c.602G>C (NM_001447.2); short protein forms G201A.
Identifiers: ClinVar variation 1711616 (VCV001711616.36), dbSNP rs11739693, ClinGen allele CA3522409.
Genomic context (GRCh38, chr5:151,568,330, plus strand): 5'-ACCTGGAGCTCATGCTTTCCTCGCCAGGTGACGTTAAGCTTCCCAGCCACAGTGACCACA[C>G]CGCTGGTGGGATGGATGGCAAACATCTCTGACCTTGTGTTAAAGGCATAATAGAACTCAG-3'
Protein context (NP_001438.1, residues 191-211): SEMFAIHPTS[Gly201Ala]VVTVAGKLNV

ClinVar aggregate classification (germline): Benign/Likely benign. Review status: criteria provided, multiple submitters, no conflicts (2 of 4 stars). 3 submissions from 3 submitters: Benign (1); Likely benign (1). 1 of the submissions does not count toward it. Last evaluated 2026-05-01.

Conditions:
FAT2-related disorder. Also called: FAT2-related condition.

Allele frequency attached by ClinVar (database versions not stated): 1000 Genomes Project 30x 0.00187; TOPMed 0.00203; 1000 Genomes Project 0.00220; ESP Exome Variant Server 0.00238; gnomAD 0.00470; ExAC 0.00506.
gnomAD v4.1: 6,831 of 1,614,172 alleles (0.42%); highest among the groups gnomAD compares: Non-Finnish European, 0.36%; 36 homozygotes.

Submissions (3):

CeGaT Center for Human Genetics Tuebingen
Classification: Likely benign. Last evaluated: 2026-05-01. Review status: criteria provided, single submitter. Criteria: CeGaT Center For Human Genetics Tuebingen Variant Classification Criteria Version 2. Collection method: clinical testing. Allele origin: germline. Affected: yes. Observed: 10 variant alleles.
Comment: FAT2: PP2, BS1

Labcorp Genetics (formerly Invitae), Labcorp
Classification: Benign. Last evaluated: 2026-01-26. Review status: criteria provided, single submitter. Criteria: Invitae Variant Classification Sherloc (09022015). Collection method: clinical testing. Allele origin: germline.

PreventionGenetics, part of Exact Sciences
Classification: Benign for FAT2-related condition. Last evaluated: 2019-08-20. Review status: no assertion criteria provided. Collection method: clinical testing. Allele origin: germline. Not counted in ClinVar's aggregate classification.
Comment: This variant is classified as benign based on ACMG/AMP sequence variant interpretation guidelines (Richards et al. 2015 PMID: 25741868, with internal and published modifications).